The following is an entry in ClinVar:

ClinVar aggregate classification (germline): Uncertain significance. Review status: criteria provided, multiple submitters, no conflicts (2 of 4 stars). 3 submissions from 3 submitters: Uncertain significance (3). Last evaluated 2025-10-18.

Conditions:
Inborn genetic diseases. Identifiers: MedGen C0950123, MeSH D030342.
Fanconi anemia complementation group D2. Also called: FANCD2-Related Fanconi Anemia; FANCONI PANCYTOPENIA, TYPE 4; FANCONI ANEMIA, COMPLEMENTATION GROUP D. Identifiers: Orphanet 84, MedGen C3160738, MONDO:0009214, OMIM 227646.
Fanconi anemia (FA). Also called: Fanconi's anemia. Identifiers: Orphanet 84, MedGen C0015625, MeSH D005199, MONDO:0019391.

Allele frequency attached by ClinVar (database versions not stated): ExAC 0.00001; gnomAD 0.00001; ESP Exome Variant Server 0.00008; gnomAD exomes 0.00001; TOPMed 0.00001.
gnomAD v4.1: 6 of 1,613,938 alleles (0.00037%); highest among the groups gnomAD compares: Non-Finnish European, 0.00051%; no homozygotes.

Submissions (3):

Ambry Genetics
Classification: Uncertain significance for Inborn genetic diseases. Last evaluated: 2025-10-18. Review status: criteria provided, single submitter. Criteria: Ambry Variant Classification Scheme 2023. Collection method: clinical testing. Allele origin: germline.

Fulgent Genetics
Classification: Uncertain significance for Fanconi anemia complementation group D2. Last evaluated: 2022-03-15. Review status: criteria provided, single submitter. Criteria: ACMG Guidelines, 2015. Collection method: clinical testing. Allele origin: unknown.

Labcorp Genetics (formerly Invitae), Labcorp
Classification: Uncertain significance for Fanconi anemia. Last evaluated: 2021-10-02. Review status: criteria provided, single submitter. Criteria: Invitae Variant Classification Sherloc (09022015). Collection method: clinical testing. Allele origin: germline.
Comment: This sequence change replaces isoleucine with phenylalanine at codon 1203 of the FANCD2 protein (p.Ile1203Phe). The isoleucine residue is highly conserved and there is a small physicochemical difference between isoleucine and phenylalanine. This variant is present in population databases (rs373757862, ExAC 0.001%). This variant has not been reported in the literature in individuals affected with FANCD2-related conditions. Algorithms developed to predict the effect of missense changes on protein structure and function are either unavailable or do not agree on the potential impact of this missense change (SIFT: "Deleterious"; PolyPhen-2: "Probably Damaging"; Align-GVGD: "Class C0"). In summary, the available evidence is currently insufficient to determine the role of this variant in disease. Therefore, it has been classified as a Variant of Uncertain Significance.

NM_001018115.3(FANCD2):c.3607A>T (p.Ile1203Phe)

Genes: FANCD2 (FA complementation group D2; plus strand), FANCD2OS (FANCD2 opposite strand; minus strand). Cytogenetic location: 3p25.3.
Variant type: single nucleotide variant.
Coding change: c.3607A>T on transcript NM_001018115.3 (MANE Select); coding-DNA position 3607, A replaced by T.
Protein change: p.Ile1203Phe; replaces isoleucine 1203 with phenylalanine.
Molecular consequence: missense variant. On other transcripts: intron variant (1).
Genome position (GRCh38, 1-based): chr3:10,088,874, A>T. VCF-style: chr3-10088874-A-T. GRCh37 (hg19) VCF-style: chr3-10130558-A-T.
Other names: c.3607A>T, p.Ile1203Phe (NM_001319984.2, NM_001374254.1, NM_033084.6); c.3496A>T, p.Ile1166Phe (NM_001374253.1); c.*44-7343T>A (NM_173472.2); short protein forms I1203F, I1166F.
Identifiers: ClinVar variation 1449419 (VCV001449419.5), dbSNP rs373757862, ClinGen allele CA2250462.